The following is an entry in ClinVar:

ClinVar aggregate classification (germline): Uncertain significance. Review status: criteria provided, multiple submitters, no conflicts (2 of 4 stars). 8 submissions from 4 submitters: Uncertain significance (8). Last evaluated 2021-10-15.

Conditions:
Autosomal recessive limb-girdle muscular dystrophy type 2J (LGMDR10). Also called: MUSCULAR DYSTROPHY, LIMB-GIRDLE, AUTOSOMAL RECESSIVE 10; Limb-girdle muscular dystrophy, type 2J. Identifiers: Orphanet 140922, MedGen C1837342, MONDO:0012127, OMIM 608807.
Tibial muscular dystrophy (TMD). Also called: Udd Distal Myopathy – Tibial Muscular Dystrophy; UDD MYOPATHY; Tibial muscular dystrophy, tardive. Identifiers: Orphanet 609, MedGen C1838244, MONDO:0010870, OMIM 600334.
Dilated cardiomyopathy 1G (CMD1G). Identifiers: Orphanet 154, MedGen C1858763, MONDO:0011400, OMIM 604145.
Early-onset myopathy with fatal cardiomyopathy (CMYO5). Also called: CONGENITAL MYOPATHY 5 WITH CARDIOMYOPATHY; Salih Myopathy. Identifiers: Orphanet 289377, MedGen C2673677, MONDO:0012714, OMIM 611705. Disease mechanism: loss of function.
Myopathy, myofibrillar, 9, with early respiratory failure (MFM9). Also called: EDSTROM MYOPATHY; MYOPATHY, PROXIMAL, WITH EARLY RESPIRATORY MUSCLE INVOLVEMENT; Hereditary myopathy with early respiratory failure; Myopathy, distal, with early respiratory failure, autosomal dominant. Identifiers: Orphanet 178464, Orphanet 34521, MedGen C1863599, MONDO:0011362, OMIM 603689.
Hypertrophic cardiomyopathy 9. Also called: Familial hypertrophic cardiomyopathy 9. Identifiers: MedGen C1861065, MONDO:0013412, OMIM 613765.

Allele frequency attached by ClinVar (database versions not stated): gnomAD exomes 0.00001 and 0.00004; TOPMed 0.00001; ExAC 0.00002; ESP Exome Variant Server 0.00008.
gnomAD v4.1: 53 of 1,613,108 alleles (0.0033%); highest among the groups gnomAD compares: Non-Finnish European, 0.0042%; no homozygotes.

Submissions (8):

Fulgent Genetics
Classification: Uncertain significance for Tibial muscular dystrophy; Myopathy, myofibrillar, 9, with early respiratory failure; Dilated cardiomyopathy 1G; Autosomal recessive limb-girdle muscular dystrophy type 2J; Early-onset myopathy with fatal cardiomyopathy; Hypertrophic cardiomyopathy 9. Last evaluated: 2021-10-15. Review status: criteria provided, single submitter. Criteria: ACMG Guidelines, 2015. Collection method: clinical testing. Allele origin: unknown.

GeneDx
Classification: Uncertain significance. Last evaluated: 2021-03-26. Review status: criteria provided, single submitter. Criteria: GeneDx Variant Classification Process June 2021. Collection method: clinical testing. Allele origin: germline. Affected: yes.
Comment: Not observed at a significant frequency in large population cohorts (Lek et al., 2016); Missense variant in a gene in which most reported pathogenic variants are truncating/loss-of-function; Has not been previously published as pathogenic or benign to our knowledge

Illumina Laboratory Services, Illumina
Classification: Uncertain significance for Autosomal recessive limb-girdle muscular dystrophy type 2J. Last evaluated: 2018-01-12. Review status: criteria provided, single submitter. Criteria: ICSL Variant Classification Criteria 13 December 2019. Collection method: clinical testing. Allele origin: germline.

Illumina Laboratory Services, Illumina
Classification: Uncertain significance for Early-onset myopathy with fatal cardiomyopathy. Last evaluated: 2018-01-12. Review status: criteria provided, single submitter. Criteria: ICSL Variant Classification Criteria 13 December 2019. Collection method: clinical testing. Allele origin: germline.

Illumina Laboratory Services, Illumina
Classification: Uncertain significance for Tibial muscular dystrophy. Last evaluated: 2018-01-12. Review status: criteria provided, single submitter. Criteria: ICSL Variant Classification Criteria 13 December 2019. Collection method: clinical testing. Allele origin: germline.

Illumina Laboratory Services, Illumina
Classification: Uncertain significance for Dilated cardiomyopathy 1G. Last evaluated: 2018-01-12. Review status: criteria provided, single submitter. Criteria: ICSL Variant Classification Criteria 13 December 2019. Collection method: clinical testing. Allele origin: germline.

Illumina Laboratory Services, Illumina
Classification: Uncertain significance for Myopathy, myofibrillar, 9, with early respiratory failure. Last evaluated: 2018-01-12. Review status: criteria provided, single submitter. Criteria: ICSL Variant Classification Criteria 13 December 2019. Collection method: clinical testing. Allele origin: germline.

Laboratory for Molecular Medicine, Mass General Brigham Personalized Medicine
Classification: Uncertain significance. Last evaluated: 2015-09-09. Review status: criteria provided, single submitter. Criteria: LMM Criteria. Collection method: clinical testing. Allele origin: germline. Observed: 2 variant alleles.
Comment: The p.Pro21807Leu variant in TTN has not been previously reported in individuals with cardiomyopathy, but has been identified in 1/9734 African chromosomes by t he Exome Aggregation Consortium (ExAC; dbSNP rs3 76041680). Computational prediction tools and conservation analysis do not provi de strong support for or against an impact to the protein. In summary, the clini cal significance of the p.Pro21807Leu variant is uncertain.

NM_001267550.2(TTN):c.73124C>T (p.Pro24375Leu)

Genes: TTN (titin; minus strand), TTN-AS1 (TTN antisense RNA 1; plus strand). Cytogenetic location: 2q31.2.
Variant type: single nucleotide variant.
Coding change: c.73124C>T on transcript NM_001267550.2 (MANE Select); coding-DNA position 73124, C replaced by T.
Protein change: p.Pro24375Leu; replaces proline 24375 with leucine.
Molecular consequence: missense variant.
Genome position (GRCh38, 1-based): chr2:178,573,008, G>A on the plus strand (C>T on the coding strand, the complement: TTN is on the minus strand). VCF-style: chr2-178573008-G-A. GRCh37 (hg19) VCF-style: chr2-179437735-G-A.
Other names: c.65420C>T, p.Pro21807Leu (NM_133378.4); c.68201C>T, p.Pro22734Leu (NM_001256850.1); c.45929C>T, p.Pro15310Leu (NM_003319.4); c.46304C>T, p.Pro15435Leu (NM_133432.3); c.46505C>T, p.Pro15502Leu (NM_133437.4); short protein forms P21807L, P24375L, P15310L, P15502L, P22734L, P15435L.
Identifiers: ClinVar variation 229509 (VCV000229509.12), dbSNP rs376041680, ClinGen allele CA1990418.
Genomic context (GRCh38, chr2:178,573,008, plus strand): 5'-TATTCCTGATTCTCTGTGAGGCCAGTGATAGTATACGAAGTTGCCTTGAGTCCTGCTGGT[G>A]GAGTGACAATCTGCCATTCATCTTCCTCTGGCAGGGCAATCTCAACCATATACCCAGTGA-3'
Protein context (NP_001254479.2, residues 24365-24385): PEEDEWQIVT[Pro24375Leu]PAGLKATSYT